The following is an entry in ClinVar:

NM_020461.4(TUBGCP6):c.5169-3C>T

Gene: TUBGCP6 (tubulin gamma complex component 6; minus strand). Cytogenetic location: 22q13.33.
Variant type: single nucleotide variant.
Coding change: c.5169-3C>T on transcript NM_020461.4 (MANE Select); 3 bases into the intron before coding-DNA position 5169, C replaced by T.
Molecular consequence: intron variant.
Genome position (GRCh38, 1-based): chr22:50,218,120, G>A on the plus strand (C>T on the coding strand, the complement: TUBGCP6 is on the minus strand). VCF-style: chr22-50218120-G-A. GRCh37 (hg19) VCF-style: chr22-50656549-G-A.
Identifiers: ClinVar variation 1514137 (VCV001514137.5), dbSNP rs369527843, ClinGen allele CA325508772.

ClinVar aggregate classification (germline): Uncertain significance (1 of 4 stars; one submission).

Allele frequency attached by ClinVar (database versions not stated): ESP Exome Variant Server 0.00008; gnomAD 0.00003.
gnomAD v4.1: 62 of 1,611,716 alleles (0.0038%); highest among the groups gnomAD compares: Non-Finnish European, 0.0051%; no homozygotes.

Submission:

Labcorp Genetics (formerly Invitae), Labcorp
Classification: Uncertain significance. Last evaluated: 2021-02-03. Review status: criteria provided, single submitter. Criteria: Invitae Variant Classification Sherloc (09022015). Collection method: clinical testing. Allele origin: germline.
Comment: This sequence change falls in intron 23 of the TUBGCP6 gene. It does not directly change the encoded amino acid sequence of the TUBGCP6 protein. It affects a nucleotide within the consensus splice site of the intron. This variant is not present in population databases (ExAC no frequency). This variant has not been reported in the literature in individuals with TUBGCP6-related conditions. Nucleotide substitutions within the consensus splice site are a relatively common cause of aberrant splicing (PMID: 17576681, 9536098). Algorithms developed to predict the effect of sequence changes on RNA splicing suggest that this variant is not likely to affect RNA splicing, but this prediction has not been confirmed by published transcriptional studies. In summary, the available evidence is currently insufficient to determine the role of this variant in disease. Therefore, it has been classified as a Variant of Uncertain Significance.

Literature cited by the submitters: PubMed 17576681; PubMed 9536098.